The following is an entry in ClinVar:

NM_006005.3(WFS1):c.1217C>A (p.Ala406Asp)

Gene: WFS1 (wolframin ER transmembrane glycoprotein; plus strand). Cytogenetic location: 4p16.1.
Variant type: single nucleotide variant.
Coding change: c.1217C>A on transcript NM_006005.3 (MANE Select); coding-DNA position 1217, C replaced by A.
Protein change: p.Ala406Asp; replaces alanine 406 with aspartic acid.
Molecular consequence: missense variant.
Genome position (GRCh38, 1-based): chr4:6,301,012, C>A. VCF-style: chr4-6301012-C-A. GRCh37 (hg19) VCF-style: chr4-6302739-C-A.
Other names: c.1217C>A, p.Ala406Asp (NM_001145853.1); short protein forms A406D.
Identifiers: ClinVar variation 3061672 (VCV003061672.4), dbSNP rs1730871214, ClinGen allele CA356174481.

ClinVar aggregate classification (germline): Conflicting classifications of pathogenicity. Review status: criteria provided, conflicting classifications (1 of 4 stars). 2 submissions from 2 submitters: Likely pathogenic (1); Uncertain significance (1). Last evaluated 2026-03-19.

Conditions:
WFS1-related disorder. Identifiers: MedGen CN379391, MONDO:0700293.

Allele frequency attached by ClinVar (database versions not stated): TOPMed below 0.00001.
gnomAD v4.1: 14 of 1,614,018 alleles (0.00087%); highest among the groups gnomAD compares: Non-Finnish European, 0.0012%; no homozygotes.

Submissions (2):

PreventionGenetics, part of Exact Sciences
Classification: Likely pathogenic for WFS1-related condition. Last evaluated: 2026-03-19. Review status: criteria provided, single submitter. Criteria: ACMG Guidelines, 2015. Collection method: clinical testing. Allele origin: germline.
Comment: The WFS1 c.1217C>A variant is predicted to result in the amino acid substitution p.Ala406Asp. To our knowledge, this variant has not been reported in the literature or in a large population database, indicating this variant is rare. This variant is interpreted as likely pathogenic for autosomal recessive WFS1-related disorders; however, it is uncertain if this variant would be causative for autosomal dominant WFS1-related disorders.

Labcorp Genetics (formerly Invitae), Labcorp
Classification: Uncertain significance. Last evaluated: 2026-01-14. Review status: criteria provided, single submitter. Criteria: Invitae Variant Classification Sherloc (09022015). Collection method: clinical testing. Allele origin: germline.
Comment: This sequence change replaces alanine, which is neutral and non-polar, with aspartic acid, which is acidic and polar, at codon 406 of the WFS1 protein (p.Ala406Asp). This variant is not present in population databases (gnomAD no frequency). This variant has not been reported in the literature in individuals affected with WFS1-related conditions. ClinVar contains an entry for this variant (Variation ID: 3061672). Invitae Evidence Modeling of protein sequence and biophysical properties (such as structural, functional, and spatial information, amino acid conservation, physicochemical variation, residue mobility, and thermodynamic stability) indicates that this missense variant is not expected to disrupt WFS1 protein function with a negative predictive value of 95%. In summary, the available evidence is currently insufficient to determine the role of this variant in disease. Therefore, it has been classified as a Variant of Uncertain Significance.